The following is an entry in ClinVar:

NM_016239.4(MYO15A):c.6560G>A (p.Arg2187His)

Gene: MYO15A (myosin XVA; plus strand). Cytogenetic location: 17p11.2.
Variant type: single nucleotide variant.
Coding change: c.6560G>A on transcript NM_016239.4 (MANE Select); coding-DNA position 6560, G replaced by A.
Protein change: p.Arg2187His; replaces arginine 2187 with histidine.
Molecular consequence: missense variant.
Genome position (GRCh38, 1-based): chr17:18,148,079, G>A. VCF-style: chr17-18148079-G-A. GRCh37 (hg19) VCF-style: chr17-18051393-G-A.
Other names: c.6560G>A (NM_016239.3); short protein forms R2187H.
Identifiers: ClinVar variation 1596658 (VCV001596658.15), dbSNP rs199913622, ClinGen allele CA8424623.
Genomic context (GRCh38, chr17:18,148,079, plus strand): 5'-TACCCATCAGGTTTGTGTCTGATTATGGGCGGAATGGCTTCCAGGCTGTGTGTCAGCACC[G>A]CCTCATGCAGGCCATGGGCCGGGCCCAACAGCAGGGCTCGGGGGCTGCCCGCACCTTACC-3'
Protein context (NP_057323.3, residues 2177-2197): RNGFQAVCQH[Arg2187His]LMQAMGRAQQ

ClinVar aggregate classification (germline): Conflicting classifications of pathogenicity. Review status: criteria provided, conflicting classifications (1 of 4 stars). 6 submissions from 6 submitters: Uncertain significance (4); Likely benign (2). Last evaluated 2026-04-28.

Conditions:
MYO15A-related disorder. Also called: MYO15A-related condition.
Inborn genetic diseases. Identifiers: MedGen C0950123, MeSH D030342.

Allele frequency attached by ClinVar (database versions not stated): ExAC 0.00007; gnomAD exomes 0.00008; 1000 Genomes Project 30x 0.00016; 1000 Genomes Project 0.00020; ESP Exome Variant Server 0.00033; gnomAD 0.00033 and 0.00034.
gnomAD v4.1: 117 of 1,613,912 alleles (0.0072%); highest among the groups gnomAD compares: African/African-American, 0.085%; no homozygotes.

Submissions (6):

PreventionGenetics, part of Exact Sciences
Classification: Uncertain significance for MYO15A-related condition. Last evaluated: 2026-04-28. Review status: criteria provided, single submitter. Criteria: ACMG Guidelines, 2015. Collection method: clinical testing. Allele origin: germline.
Comment: The MYO15A c.6560G>A variant is predicted to result in the amino acid substitution p.Arg2187His. This variant has been reported along with a second MYO15A variant in an individual with hearing loss (Table S2, Usami et al. 2022. PubMed ID: 34599366). An alternative variant at the same codon (p.Arg2187Cys) has been observed along with a second MYO15A variant in an individual with hearing loss (Table S1, Safka Brozkova et al. 2020. PubMed ID: 32860223). This variant is reported in 0.079% of alleles in individuals of African descent in gnomAD. Although we suspect that the p.Arg2187His variant may be pathogenic, at this time, the clinical significance of this variant is uncertain due to the absence of conclusive functional and genetic evidence.

GeneDx
Classification: Uncertain significance. Last evaluated: 2026-04-20. Review status: criteria provided, single submitter. Criteria: GeneDx Variant Classification Process June 2021. Collection method: clinical testing. Allele origin: germline.
Comment: Reported with a second variant (phase unknown) in patient with sensorineural hearing loss in published literature (PMID: 34599366); In silico analysis supports that this missense variant has a deleterious effect on protein structure/function; This variant is associated with the following publications: (PMID: 39182490, 34599366)

Ambry Genetics
Classification: Uncertain significance for Inborn genetic diseases. Last evaluated: 2026-02-25. Review status: criteria provided, single submitter. Criteria: Ambry Variant Classification Scheme 2023. Collection method: clinical testing. Allele origin: germline.

Labcorp Genetics (formerly Invitae), Labcorp
Classification: Likely benign. Last evaluated: 2025-12-23. Review status: criteria provided, single submitter. Criteria: Invitae Variant Classification Sherloc (09022015). Collection method: clinical testing. Allele origin: germline.

Blueprint Genetics
Classification: Uncertain significance. Last evaluated: 2024-10-17. Review status: criteria provided, single submitter. Criteria: ACMG Guidelines, 2015. Collection method: clinical testing. Allele origin: germline.

Breakthrough Genomics
Classification: Likely benign. Review status: criteria provided, single submitter. Criteria: ACMG Guidelines, 2015. Collection method: not provided. Allele origin: germline. Inheritance: Autosomal recessive inheritance. Affected: yes.